The following is an entry in ClinVar:

ClinVar aggregate classification (germline): Uncertain significance. Review status: criteria provided, multiple submitters, no conflicts (2 of 4 stars). 2 submissions from 2 submitters: Uncertain significance (2). Last evaluated 2025-01-16.

Conditions:
Inborn genetic diseases. Identifiers: MedGen C0950123, MeSH D030342.

Allele frequency attached by ClinVar (database versions not stated): gnomAD exomes below 0.00001; gnomAD 0.00003; TOPMed 0.00010.
gnomAD v4.1: 7 of 1,610,284 alleles (0.00043%); highest among the groups gnomAD compares: Admixed American, 0.012%; no homozygotes.

Submissions (2):

Ambry Genetics
Classification: Uncertain significance for Inborn genetic diseases. Last evaluated: 2025-01-16. Review status: criteria provided, single submitter. Criteria: Ambry Variant Classification Scheme 2023. Collection method: clinical testing. Allele origin: germline.
Comment: The c.153+6C>G intronic alteration consists of a C to G substitution 6 nucleotides after exon 3 (coding exon 2) of the NDUFS1 gene. Based on insufficient or conflicting evidence, the clinical significance of this alteration remains unclear.

Labcorp Genetics (formerly Invitae), Labcorp
Classification: Uncertain significance. Last evaluated: 2022-06-05. Review status: criteria provided, single submitter. Criteria: Invitae Variant Classification Sherloc (09022015). Collection method: clinical testing. Allele origin: germline.
Comment: In summary, the available evidence is currently insufficient to determine the role of this variant in disease. Therefore, it has been classified as a Variant of Uncertain Significance. Variants that disrupt the consensus splice site are a relatively common cause of aberrant splicing (PMID: 17576681, 9536098). Algorithms developed to predict the effect of sequence changes on RNA splicing suggest that this variant is not likely to affect RNA splicing. ClinVar contains an entry for this variant (Variation ID: 1450898). This variant has not been reported in the literature in individuals affected with NDUFS1-related conditions. This sequence change falls in intron 3 of the NDUFS1 gene. It does not directly change the encoded amino acid sequence of the NDUFS1 protein. It affects a nucleotide within the consensus splice site. This variant is present in population databases (no rsID available, gnomAD no frequency).

Literature cited by the submitters: PubMed 17576681 (cited by Labcorp Genetics (formerly Invitae), Labcorp); PubMed 9536098 (cited by Labcorp Genetics (formerly Invitae), Labcorp).

NM_005006.7(NDUFS1):c.153+6C>G

Gene: NDUFS1 (NADH:ubiquinone oxidoreductase core subunit S1; minus strand). Cytogenetic location: 2q33.3.
Variant type: single nucleotide variant.
Coding change: c.153+6C>G on transcript NM_005006.7 (MANE Select); 6 bases into the intron after coding-DNA position 153, C replaced by G.
Molecular consequence: intron variant.
Genome position (GRCh38, 1-based): chr2:206,152,413, G>C on the plus strand (C>G on the coding strand, the complement: NDUFS1 is on the minus strand). VCF-style: chr2-206152413-G-C. GRCh37 (hg19) VCF-style: chr2-207017137-G-C.
Other names: c.5+1205C>G (NM_001199982.2); c.-19+1205C>G (NM_001199983.2); c.153+6C>G (NM_001199981.2, NM_005006.6); c.195+6C>G (NM_001199984.2).
Identifiers: ClinVar variation 1450898 (VCV001450898.8), dbSNP rs1051428500, ClinGen allele CA63672280.
Genomic context (GRCh38, chr2:206,152,413, plus strand): 5'-GGAAATAAATTAGTATTTTTAAAAAAATCAGAACACACACACAAAATAGTTAGAATGTAT[G>C]CCTACTTGGAGGACGGTCGTTCCCGGTTCCACCATGACAGACTGACCATCAACAAATACT-3'